The following is an entry in ClinVar:

NM_006231.4(POLE):c.2081A>T (p.Lys694Met)

Gene: POLE (DNA polymerase epsilon, catalytic subunit; minus strand). Cytogenetic location: 12q24.33.
Variant type: single nucleotide variant.
Coding change: c.2081A>T on transcript NM_006231.4 (MANE Select); coding-DNA position 2081, A replaced by T.
Protein change: p.Lys694Met; replaces lysine 694 with methionine.
Molecular consequence: missense variant.
Genome position (GRCh38, 1-based): chr12:132,668,448, T>A on the plus strand (A>T on the coding strand, the complement: POLE is on the minus strand). VCF-style: chr12-132668448-T-A. GRCh37 (hg19) VCF-style: chr12-133245034-T-A.
Other names: short protein forms K694M.
Identifiers: ClinVar variation 1985482 (VCV001985482.4), dbSNP rs777341185, ClinGen allele CA387354127.

ClinVar aggregate classification (germline): Uncertain significance (1 of 4 stars; one submission).

Submission:

Labcorp Genetics (formerly Invitae), Labcorp
Classification: Uncertain significance. Last evaluated: 2022-07-22. Review status: criteria provided, single submitter. Criteria: Invitae Variant Classification Sherloc (09022015). Collection method: clinical testing. Allele origin: germline.
Comment: This variant is not present in population databases (gnomAD no frequency). In summary, the available evidence is currently insufficient to determine the role of this variant in disease. Therefore, it has been classified as a Variant of Uncertain Significance. Algorithms developed to predict the effect of missense changes on protein structure and function are either unavailable or do not agree on the potential impact of this missense change (SIFT: "Deleterious"; PolyPhen-2: "Possibly Damaging"; Align-GVGD: "Class C0"). This variant has not been reported in the literature in individuals affected with POLE-related conditions. This sequence change replaces lysine, which is basic and polar, with methionine, which is neutral and non-polar, at codon 694 of the POLE protein (p.Lys694Met).